The following is an entry in ClinVar:

NC_000012.12:g.50764080G>T

Genes: ATF1 (activating transcription factor 1; plus strand), LOC130007899 (ATAC-STARR-seq lymphoblastoid silent region 4454; plus strand). Cytogenetic location: 12q13.12.
Variant type: single nucleotide variant.
Genome position: GRCh38 VCF-style: chr12-50764080-G-T. GRCh37 (hg19) VCF-style: chr12-51157863-G-T.
Identifiers: ClinVar variation 1224709 (VCV001224709.5), dbSNP rs61926301, ClinGen allele CA236788450.

ClinVar aggregate classification (germline): Benign. Review status: criteria provided, multiple submitters, no conflicts (2 of 4 stars). 2 submissions from 2 submitters: Benign (2). Last evaluated 2020-02-17.

Allele frequency attached by ClinVar (database versions not stated): gnomAD exomes 0.28571; 1000 Genomes Project 0.32368; 1000 Genomes Project 30x 0.32542; TOPMed 0.34375.
gnomAD v4.1: 51,417 of 143,632 alleles (36%); highest among the groups gnomAD compares: Non-Finnish European, 40%; 9,019 homozygotes.

Submissions (2):

GeneDx
Classification: Benign. Last evaluated: 2020-02-17. Review status: criteria provided, single submitter. Criteria: GeneDx Variant Classification Process June 2021. Collection method: clinical testing. Allele origin: germline. Affected: yes.
Comment: This variant is associated with the following publications: (PMID: 31204011)

Breakthrough Genomics
Classification: Benign. Review status: criteria provided, single submitter. Criteria: ACMG Guidelines, 2015. Collection method: not provided. Allele origin: germline. Inheritance: Unknown mechanism. Affected: yes.